The following is an entry in ClinVar:

ClinVar aggregate classification (germline): Likely benign. Review status: criteria provided, multiple submitters, no conflicts (2 of 4 stars). 2 submissions from 2 submitters: Likely benign (2). Last evaluated 2026-10-01.

Submissions (2):

CeGaT Center for Human Genetics Tuebingen
Classification: Likely benign. Last evaluated: 2026-10-01. Review status: criteria provided, single submitter. Criteria: CeGaT Center For Human Genetics Tuebingen Variant Classification Criteria Version 2. Collection method: clinical testing. Allele origin: germline. Affected: yes. Observed: 23 variant alleles.
Comment: FMN2: BP4, BP7, BS1

Blueprint Genetics
Classification: Likely benign. Last evaluated: 2024-11-15. Review status: criteria provided, single submitter. Criteria: ACMG Guidelines, 2015. Collection method: clinical testing. Allele origin: germline.

NM_020066.5(FMN2):c.2967T>G (p.Pro989=)

Gene: FMN2 (formin 2; plus strand). Cytogenetic location: 1q43.
Variant type: single nucleotide variant.
Coding change: c.2967T>G on transcript NM_020066.5 (MANE Select); coding-DNA position 2967, T replaced by G.
Protein change: p.Pro989=; no amino-acid change (proline 989 retained).
Molecular consequence: synonymous variant. On other transcripts: intron variant (1).
Genome position (GRCh38, 1-based): chr1:240,207,779, T>G. VCF-style: chr1-240207779-T-G. GRCh37 (hg19) VCF-style: chr1-240371079-T-G.
Other names: c.2979T>G, p.Pro993= (NM_001305424.2); c.1986+19517T>G (NM_001348094.2).
Identifiers: ClinVar variation 2582876 (VCV002582876.26), dbSNP rs557827551, ClinGen allele CA1476936.